The following is an entry in ClinVar:

NM_001127671.2(LIFR):c.2036C>G (p.Ser679Ter)

Gene: LIFR (LIF receptor subunit alpha; minus strand). Cytogenetic location: 5p13.1.
Variant type: single nucleotide variant.
Coding change: c.2036C>G on transcript NM_001127671.2 (MANE Select); coding-DNA position 2036, C replaced by G.
Protein change: p.Ser679Ter; replaces serine 679 with a stop codon.
Molecular consequence: nonsense.
Genome position (GRCh38, 1-based): chr5:38,493,635, G>C on the plus strand (C>G on the coding strand, the complement: LIFR is on the minus strand). VCF-style: chr5-38493635-G-C. GRCh37 (hg19) VCF-style: chr5-38493737-G-C.
Other names: c.2036C>G, p.Ser679Ter (NM_001364297.2, NM_001364298.2, NM_002310.6); short protein forms S679*.
Identifiers: ClinVar variation 1075195 (VCV001075195.7), dbSNP rs2112416850, ClinGen allele CA359538641.

ClinVar aggregate classification (germline): Pathogenic (1 of 4 stars; one submission).

Submission:

Labcorp Genetics (formerly Invitae), Labcorp
Classification: Pathogenic. Last evaluated: 2020-09-15. Review status: criteria provided, single submitter. Criteria: Invitae Variant Classification Sherloc (09022015). Collection method: clinical testing. Allele origin: germline.
Comment: This sequence change creates a premature translational stop signal (p.Ser679*) in the LIFR gene. It is expected to result in an absent or disrupted protein product. For these reasons, this variant has been classified as Pathogenic. Loss-of-function variants in LIFR are known to be pathogenic (PMID: 14740318). This variant has not been reported in the literature in individuals with LIFR-related conditions. This variant is not present in population databases (ExAC no frequency).

Literature cited by the submitters: PubMed 14740318.